The following is an entry in ClinVar:

NM_201384.3(PLEC):c.6642G>A (p.Ala2214=)

Gene: PLEC (plectin; minus strand). Cytogenetic location: 8q24.3.
Variant type: single nucleotide variant.
Coding change: c.6642G>A on transcript NM_201384.3 (MANE Select); coding-DNA position 6642, G replaced by A.
Protein change: p.Ala2214=; no amino-acid change (alanine 2214 retained).
Molecular consequence: synonymous variant.
Genome position (GRCh38, 1-based): chr8:143,923,287, C>T on the plus strand (G>A on the coding strand, the complement: PLEC is on the minus strand). VCF-style: chr8-143923287-C-T. GRCh37 (hg19) VCF-style: chr8-144997455-C-T.
Other names: c.6723G>A, p.Ala2241= (NM_000445.5); c.6600G>A, p.Ala2200= (NM_201378.4); c.6576G>A, p.Ala2192= (NM_201379.3); c.7053G>A, p.Ala2351= (NM_201380.4); c.6546G>A, p.Ala2182= (NM_201381.3); c.6642G>A, p.Ala2214= (NM_201382.4); c.6654G>A, p.Ala2218= (NM_201383.3).
Identifiers: ClinVar variation 471633 (VCV000471633.17), dbSNP rs559736151, ClinGen allele CA4925917.

ClinVar aggregate classification (germline): Conflicting classifications of pathogenicity. Review status: criteria provided, conflicting classifications (1 of 4 stars). 6 submissions from 6 submitters: Uncertain significance (1); Likely benign (5). Last evaluated 2026-08-10.

Conditions:
PLEC-related disorder. Also called: PLEC-related disorders; PLEC-related condition.
Autosomal recessive limb-girdle muscular dystrophy type 2Q (LGMDR17). Also called: MUSCULAR DYSTROPHY, LIMB-GIRDLE, AUTOSOMAL RECESSIVE 17. Identifiers: Orphanet 254361, MedGen C3150989, MONDO:0013390, OMIM 613723.
Epidermolysis bullosa simplex with nail dystrophy (EBS5D). Identifiers: MedGen C4225309, MONDO:0014661, OMIM 616487.
Epidermolysis bullosa simplex 5C, with pyloric atresia (EBS5C). Also called: PLEC-Related Epidermolysis Bullosa with Pyloric Atresia; Epidermolysis bullosa simplex with pyloric atresia; PLEC1-Related Epidermolysis Bullosa with Pyloric Atresia. Identifiers: Orphanet 158684, MedGen C2677349, MONDO:0012807, OMIM 612138.
Epidermolysis bullosa simplex, Ogna type (EBS5A). Also called: Pidermolysis bullosa simplex 5A, Ogna type; EPIDERMOLYSIS BULLOSA SIMPLEX 5A, OGNA TYPE. Identifiers: Orphanet 79401, MedGen C0432317, MONDO:0007555, OMIM 131950.
Epidermolysis bullosa simplex 5B, with muscular dystrophy (EBS5B). Also called: EPIDERMOLYSIS BULLOSA SIMPLEX AND LIMB-GIRDLE MUSCULAR DYSTROPHY; Epidermolysis bullosa simplex with muscular dystrophy. Identifiers: Orphanet 257, MedGen C2931072, MONDO:0009181, OMIM 226670.

Allele frequency attached by ClinVar (database versions not stated): gnomAD exomes 0.00003 and 0.00004; gnomAD 0.00004 and 0.00005; ExAC 0.00005; TOPMed 0.00009; 1000 Genomes Project 0.00020; 1000 Genomes Project 30x 0.00031.
gnomAD v4.1: 52 of 1,608,168 alleles (0.0032%); highest among the groups gnomAD compares: African/African-American, 0.019%; no homozygotes.

Submissions (6):

PreventionGenetics, part of Exact Sciences
Classification: Likely benign for PLEC-related condition. Last evaluated: 2026-08-10. Review status: criteria provided, single submitter. Criteria: ACMG Guidelines, 2015. Collection method: clinical testing. Allele origin: germline.
Comment: This variant is classified as likely benign based on ACMG/AMP sequence variant interpretation guidelines (Richards et al. 2015 PMID: 25741868, with internal and published modifications).

Labcorp Genetics (formerly Invitae), Labcorp
Classification: Likely benign for Autosomal recessive limb-girdle muscular dystrophy type 2Q; Epidermolysis bullosa simplex, Ogna type; Epidermolysis bullosa simplex with nail dystrophy; Epidermolysis bullosa simplex 5C, with pyloric atresia; Epidermolysis bullosa simplex 5B, with muscular dystrophy. Last evaluated: 2025-09-19. Review status: criteria provided, single submitter. Criteria: Invitae Variant Classification Sherloc (09022015). Collection method: clinical testing. Allele origin: germline.

Blueprint Genetics
Classification: Likely benign. Last evaluated: 2020-12-21. Review status: criteria provided, single submitter. Criteria: ACMG Guidelines, 2015. Collection method: clinical testing. Allele origin: germline.

Genetic Services Laboratory, University of Chicago
Classification: Likely benign. Last evaluated: 2018-05-18. Review status: criteria provided, single submitter. Criteria: ACMG Guidelines, 2015. Collection method: clinical testing. Allele origin: germline. Affected: no.

GeneDx
Classification: Likely benign. Last evaluated: 2017-08-17. Review status: criteria provided, single submitter. Criteria: GeneDx Variant Classification (06012015). Collection method: clinical testing. Allele origin: germline. Affected: yes.
Comment: This variant is considered likely benign or benign based on one or more of the following criteria: it is a conservative change, it occurs at a poorly conserved position in the protein, it is predicted to be benign by multiple in silico algorithms, and/or has population frequency not consistent with disease.

Eurofins Ntd Llc (ga)
Classification: Uncertain significance. Last evaluated: 2017-06-20. Review status: criteria provided, single submitter. Criteria: EGL Classification Definitions 2015. Collection method: clinical testing. Allele origin: germline. Observed: 1 variant allele, 1 heterozygote.